The following is an entry in ClinVar:

NM_053025.4(MYLK):c.3048T>C (p.Asn1016=)

Gene: MYLK (myosin light chain kinase; minus strand). Cytogenetic location: 3q21.1.
Variant type: single nucleotide variant.
Coding change: c.3048T>C on transcript NM_053025.4 (MANE Select); coding-DNA position 3048, T replaced by C.
Protein change: p.Asn1016=; no amino-acid change (asparagine 1016 retained).
Molecular consequence: synonymous variant.
Genome position (GRCh38, 1-based): chr3:123,700,420, A>G on the plus strand (T>C on the coding strand, the complement: MYLK is on the minus strand). VCF-style: chr3-123700420-A-G. GRCh37 (hg19) VCF-style: chr3-123419267-A-G.
Other names: c.2520T>C, p.Asn840= (NM_001321309.2); c.2841T>C, p.Asn947= (NM_053026.4, NM_053028.4); c.3048T>C, p.Asn1016= (NM_053027.4).
Identifiers: ClinVar variation 264352 (VCV000264352.22), dbSNP rs758822048, ClinGen allele CA10587557.

ClinVar aggregate classification (germline): Likely benign. Review status: criteria provided, multiple submitters, no conflicts (2 of 4 stars). 5 submissions from 5 submitters: Likely benign (4). 1 of the submissions does not count toward it. Last evaluated 2025-12-02.

Conditions:
Familial thoracic aortic aneurysm and aortic dissection (TAAD). Also called: Thoracic aortic aneurysms and dissections. Identifiers: Orphanet 91387, MedGen C4707243, MONDO:0019625.
MYLK-related disorder. Also called: MYLK-related condition.
Aortic aneurysm, familial thoracic 7 (AAT7). Also called: AORTIC DISSECTION, FAMILIAL, WITH OR WITHOUT AORTIC ANEURYSM. Identifiers: MedGen C3151077, MONDO:0013418, OMIM 613780.

Allele frequency attached by ClinVar (database versions not stated): gnomAD exomes 0.00002 and 0.00003; gnomAD 0.00003; TOPMed 0.00003.
gnomAD v4.1: 58 of 1,612,436 alleles (0.0036%); highest among the groups gnomAD compares: Non-Finnish European, 0.0042%; no homozygotes.

Submissions (5):

Labcorp Genetics (formerly Invitae), Labcorp
Classification: Likely benign for Aortic aneurysm, familial thoracic 7. Last evaluated: 2025-12-02. Review status: criteria provided, single submitter. Criteria: Invitae Variant Classification Sherloc (09022015). Collection method: clinical testing. Allele origin: germline.

Women's Health and Genetics/Laboratory Corporation of America, LabCorp
Classification: Likely benign. Last evaluated: 2024-08-27. Review status: criteria provided, single submitter. Criteria: LabCorp Variant Classification Summary - May 2015. Collection method: clinical testing. Allele origin: germline.

ARUP Laboratories, Molecular Genetics and Genomics, ARUP Laboratories
Classification: Likely benign. Last evaluated: 2021-11-26. Review status: criteria provided, single submitter. Criteria: ARUP Molecular Germline Variant Investigation Process 2021. Collection method: clinical testing. Allele origin: germline.

Ambry Genetics
Classification: Likely benign for Familial thoracic aortic aneurysm and aortic dissection. Last evaluated: 2015-09-07. Review status: criteria provided, single submitter. Criteria: Ambry Variant Classification Scheme 2023. Collection method: clinical testing. Allele origin: germline.

PreventionGenetics, part of Exact Sciences
Classification: Likely benign for MYLK-related condition. Last evaluated: 2019-07-10. Review status: no assertion criteria provided. Collection method: clinical testing. Allele origin: germline. Not counted in ClinVar's aggregate classification.
Comment: This variant is classified as likely benign based on ACMG/AMP sequence variant interpretation guidelines (Richards et al. 2015 PMID: 25741868, with internal and published modifications).